The following is an entry in ClinVar:

ClinVar aggregate classification (germline): Conflicting classifications of pathogenicity. Review status: criteria provided, conflicting classifications (1 of 4 stars). 4 submissions from 4 submitters: Uncertain significance (3); Benign (1). Last evaluated 2026-02-01.

Conditions:
Long QT syndrome (LQTS). Identifiers: MedGen C0023976, MeSH D008133, MONDO:0002442. Disease mechanism: loss of function. Inheritance: Various modes of inheritance.
Cardiovascular phenotype. Identifiers: MedGen CN230736.

Allele frequency attached by ClinVar (database versions not stated): gnomAD 0.00001; TOPMed 0.00005; ExAC 0.00009; gnomAD exomes 0.00009.
gnomAD v4.1: 23 of 1,613,970 alleles (0.0014%); highest among the groups gnomAD compares: Admixed American, 0.038%; no homozygotes.

Submissions (4):

CeGaT Center for Human Genetics Tuebingen
Classification: Uncertain significance. Last evaluated: 2026-02-01. Review status: criteria provided, single submitter. Criteria: CeGaT Center For Human Genetics Tuebingen Variant Classification Criteria Version 2. Collection method: clinical testing. Allele origin: germline. Affected: yes. Observed: 1 variant allele.

Labcorp Genetics (formerly Invitae), Labcorp
Classification: Uncertain significance for Long QT syndrome. Last evaluated: 2025-06-07. Review status: criteria provided, single submitter. Criteria: Invitae Variant Classification Sherloc (09022015). Collection method: clinical testing. Allele origin: germline.
Comment: This sequence change replaces asparagine, which is neutral and polar, with histidine, which is basic and polar, at codon 3294 of the ANK2 protein (p.Asn3294His). This variant is present in population databases (rs763211298, gnomAD 0.07%), and has an allele count higher than expected for a pathogenic variant. This variant has not been reported in the literature in individuals affected with ANK2-related conditions. ClinVar contains an entry for this variant (Variation ID: 457073). An algorithm developed to predict the effect of missense changes on protein structure and function outputs the following: PolyPhen-2: "Benign". The histidine amino acid residue is found in multiple mammalian species, which suggests that this missense change does not adversely affect protein function. In summary, the available evidence is currently insufficient to determine the role of this variant in disease. Therefore, it has been classified as a Variant of Uncertain Significance.

Ambry Genetics
Classification: Benign for Cardiovascular phenotype. Last evaluated: 2024-03-12. Review status: criteria provided, single submitter. Criteria: Ambry Variant Classification Scheme 2023. Collection method: clinical testing. Allele origin: germline.

Stanford Center for Inherited Cardiovascular Disease, Stanford University
Classification: Uncertain significance. Last evaluated: 2017-07-24. Review status: criteria provided, single submitter. Criteria: ACMG Guidelines, 2015. Collection method: provider interpretation. Allele origin: germline.

NM_001148.6(ANK2):c.9880A>C (p.Asn3294His)

Gene: ANK2 (ankyrin 2; plus strand). Cytogenetic location: 4q26.
Variant type: single nucleotide variant.
Coding change: c.9880A>C on transcript NM_001148.6 (MANE Select); coding-DNA position 9880, A replaced by C.
Protein change: p.Asn3294His; replaces asparagine 3294 with histidine.
Molecular consequence: missense variant. On other transcripts: intron variant (68).
Genome position (GRCh38, 1-based): chr4:113,358,498, A>C. VCF-style: chr4-113358498-A-C. GRCh37 (hg19) VCF-style: chr4-114279654-A-C.
Other names: c.9646A>C, p.Asn3216His (NM_001386142.1); c.6280A>C, p.Asn2094His (NM_001386166.1); c.10021A>C, p.Asn3341His (NM_001386174.1); c.9997A>C, p.Asn3333His (NM_001386175.1); c.4412-2325A>C (NM_001386186.2, NM_001386148.2); c.4214-2325A>C (NM_001354269.3); c.4292-2325A>C (NM_001386187.2); c.4253-2325A>C (NM_001386147.1); and 35 more; short protein forms N3294H, N2094H, N3216H, N3333H, N3341H.
Identifiers: ClinVar variation 457073 (VCV000457073.17), dbSNP rs763211298, ClinGen allele CA3051998.